The following is an entry in ClinVar:

ClinVar aggregate classification (germline): Likely benign. Review status: criteria provided, multiple submitters, no conflicts (2 of 4 stars). 2 submissions from 2 submitters: Likely benign (2). Last evaluated 2023-07-01.

Allele frequency attached by ClinVar (database versions not stated): gnomAD exomes below 0.00001.
gnomAD v4.1: 1 of 1,614,068 alleles (0.000062%); no homozygotes.

Submissions (2):

CeGaT Center for Human Genetics Tuebingen
Classification: Likely benign. Last evaluated: 2023-07-01. Review status: criteria provided, single submitter. Criteria: CeGaT Center For Human Genetics Tuebingen Variant Classification Criteria Version 2. Collection method: clinical testing. Allele origin: germline. Affected: yes. Observed: 1 variant allele.
Comment: CENPF: BP4, BP7

Labcorp Genetics (formerly Invitae), Labcorp
Classification: Likely benign. Last evaluated: 2018-12-14. Review status: criteria provided, single submitter. Criteria: Invitae Variant Classification Sherloc (09022015). Collection method: clinical testing. Allele origin: germline.

NM_016343.4(CENPF):c.8661T>C (p.His2887=)

Gene: CENPF (centromere protein F; plus strand). Cytogenetic location: 1q41.
Variant type: single nucleotide variant.
Coding change: c.8661T>C on transcript NM_016343.4 (MANE Select); coding-DNA position 8661, T replaced by C.
Protein change: p.His2887=; no amino-acid change (histidine 2887 retained).
Molecular consequence: synonymous variant.
Genome position (GRCh38, 1-based): chr1:214,657,108, T>C. VCF-style: chr1-214657108-T-C. GRCh37 (hg19) VCF-style: chr1-214830451-T-C.
Identifiers: ClinVar variation 796598 (VCV000796598.27), dbSNP rs1426847040, ClinGen allele CA423429529.